The following is an entry in ClinVar:

ClinVar aggregate classification (germline): Uncertain significance/VUS-high. Review status: criteria provided, multiple submitters, no conflicts (2 of 4 stars). 4 submissions from 4 submitters: Uncertain significance (1); VUS-high (1). 2 of the submissions do not count toward it. Last evaluated 2026-02-06.

Conditions:
Autosomal recessive titinopathy. Identifiers: MedGen CN315649, MONDO:0100493.

Allele frequency attached by ClinVar (database versions not stated): TOPMed below 0.00001.

Submissions (4):

Myofin, Folkhalsan Research Center
Classification: VUS-high for Autosomal recessive titinopathy. Last evaluated: 2026-02-06. Review status: criteria provided, single submitter. Criteria: ACMG Guidelines, 2015. Collection method: research. Allele origin: germline. Affected: yes.
Comment: The variant is rare in population databases (not found in gnomAD; no homozygotes reported) and has a high deleterious computational prediction (AlphaMissense 0.9700). Given limited case-level evidence and lack of robust variant-level functional/replication data , we classify this variant as Uncertain significance (VUS-high) for recessive titinopathy.

GeneDx
Classification: Uncertain significance. Last evaluated: 2024-12-17. Review status: criteria provided, single submitter. Criteria: GeneDx Variant Classification Process June 2021. Collection method: clinical testing. Allele origin: germline. Affected: yes.
Comment: Not observed at significant frequency in large population cohorts (gnomAD); Missense variant in a gene in which most reported pathogenic variants are truncating/loss of function; Has not been previously published as pathogenic or benign to our knowledge

Clinical Genetics, Academic Medical Center
Classification: Uncertain significance. Review status: no assertion criteria provided. Collection method: clinical testing. Allele origin: germline. Affected: yes. Study: VKGL Data-share Consensus. Not counted in ClinVar's aggregate classification.

Joint Genome Diagnostic Labs from Nijmegen and Maastricht, Radboudumc and MUMC+
Classification: Uncertain significance. Review status: no assertion criteria provided. Collection method: clinical testing. Allele origin: germline. Affected: yes. Study: VKGL Data-share Consensus. Not counted in ClinVar's aggregate classification.

Literature cited by the submitters: DOI 10.1101/2025.07.17.25331146 (cited by Myofin, Folkhalsan Research Center).

NM_001267550.2(TTN):c.88658T>G (p.Leu29553Arg)

Genes: TTN (titin; minus strand), TTN-AS1 (TTN antisense RNA 1; plus strand). Cytogenetic location: 2q31.2.
Variant type: single nucleotide variant.
Coding change: c.88658T>G on transcript NM_001267550.2 (MANE Select); coding-DNA position 88658, T replaced by G.
Protein change: p.Leu29553Arg; replaces leucine 29553 with arginine.
Molecular consequence: missense variant.
Genome position (GRCh38, 1-based): chr2:178,554,689, A>C on the plus strand (T>G on the coding strand, the complement: TTN is on the minus strand). VCF-style: chr2-178554689-A-C. GRCh37 (hg19) VCF-style: chr2-179419416-A-C.
Other names: c.83735T>G, p.Leu27912Arg (NM_001256850.1); c.61463T>G, p.Leu20488Arg (NM_003319.4); c.80954T>G, p.Leu26985Arg (NM_133378.4); c.61838T>G, p.Leu20613Arg (NM_133432.3); c.62039T>G, p.Leu20680Arg (NM_133437.4); c.88658T>G (NM_001267550.1); short protein forms L20488R, L20613R, L20680R, L26985R, L27912R, L29553R.
Identifiers: ClinVar variation 1284329 (VCV001284329.6), dbSNP rs1453445227, ClinGen allele CA349525966.